The following is an entry in ClinVar:

NM_000260.4(MYO7A):c.1708dup (p.Arg570fs)

Gene: MYO7A (myosin VIIA; plus strand). Cytogenetic location: 11q13.5.
Variant type: Duplication.
Coding change: c.1708dup on transcript NM_000260.4 (MANE Select); coding-DNA position 1708, one base duplicated (C; older notation c.1708dupC).
Protein change: p.Arg570fs; shifts the reading frame from arginine 570.
Molecular consequence: frameshift variant.
Genome position (GRCh38, 1-based): chr11:77,166,073, C duplicated; the last of 2 consecutive C bases (chr11:77,166,072-77,166,073); duplicating either gives the same sequence. VCF-style (leftmost placement, unchanged base first): chr11-77166071-A-AC. GRCh37 (hg19) VCF-style: chr11-76877117-A-AC.
Other names: c.1708dup, p.Arg570fs (NM_001127180.2); c.1675dup, p.Arg559fs (NM_001369365.1); short protein forms R559fs, R570fs.
Identifiers: ClinVar variation 5011873 (VCV005011873.1).

ClinVar aggregate classification (germline): Pathogenic (1 of 4 stars; one submission).

Conditions:
Usher syndrome type 1 (USH1). Also called: RETINITIS PIGMENTOSA AND CONGENITAL DEAFNESS. Identifiers: Orphanet 231169, Orphanet 886, MedGen C1568247, MONDO:0010168, OMIM 276900.

Submission:

Myriad Genetics, Inc.
Classification: Pathogenic for Usher syndrome type 1. Last evaluated: 2023-09-27. Review status: criteria provided, single submitter. Criteria: Myriad Autosomal Dominant, Autosomal Recessive and X-Linked Classification Criteria (2023). Collection method: clinical testing. Allele origin: unknown.
Comment: NM_000260.3(MYO7A):c.1708dupC(R570Pfs*42) is expected to be pathogenic in the context of MYO7A-related disorders. This variant is predicted to lead to an abnormal or absent protein product due to the creation of a premature termination codon in MYO7A, a gene where loss-of-function variants are known to be pathogenic. Please note: this variant was assessed in the context of healthy population screening.